The following is an entry in ClinVar:

NM_001042492.3(NF1):c.7553C>A (p.Ala2518Asp)

Gene: NF1 (neurofibromin 1; plus strand). Cytogenetic location: 17q11.2.
Variant type: single nucleotide variant.
Coding change: c.7553C>A on transcript NM_001042492.3 (MANE Select); coding-DNA position 7553, C replaced by A.
Protein change: p.Ala2518Asp; replaces alanine 2518 with aspartic acid.
Molecular consequence: missense variant.
Genome position (GRCh38, 1-based): chr17:31,352,352, C>A. VCF-style: chr17-31352352-C-A. GRCh37 (hg19) VCF-style: chr17-29679370-C-A.
Other names: c.7490C>A, p.Ala2497Asp (NM_000267.4); short protein forms A2497D, A2518D.
Identifiers: ClinVar variation 404447 (VCV000404447.6), dbSNP rs1060500265, ClinGen allele CA16615295.

ClinVar aggregate classification (germline): Uncertain significance. Review status: criteria provided, multiple submitters, no conflicts (2 of 4 stars). 2 submissions from 2 submitters: Uncertain significance (2). Last evaluated 2025-06-22.

Conditions:
Hereditary cancer-predisposing syndrome. Also called: Tumor predisposition; Neoplastic Syndromes, Hereditary; Hereditary Cancer Syndrome; Hereditary neoplastic syndrome. Identifiers: Orphanet 140162, MedGen C0027672, MeSH D009386, MONDO:0015356.
Cardiovascular phenotype. Identifiers: MedGen CN230736.
Neurofibromatosis, type 1 (NF1). Also called: Neurofibromatosis, type I; NEUROFIBROMATOSIS, TYPE I, SOMATIC; Peripheral type neurofibromatosis; VON RECKLINGHAUSEN DISEASE. Identifiers: Orphanet 636, MedGen C0027831, MONDO:0018975, OMIM 162200. Disease mechanism: loss of function.

Submissions (2):

Ambry Genetics
Classification: Uncertain significance for Cardiovascular phenotype; Hereditary cancer-predisposing syndrome. Last evaluated: 2025-06-22. Review status: criteria provided, single submitter. Criteria: Ambry Variant Classification Scheme 2023. Collection method: clinical testing. Allele origin: germline.
Comment: The p.A2497D variant (also known as c.7490C>A), located in coding exon 50 of the NF1 gene, results from a C to A substitution at nucleotide position 7490. The alanine at codon 2497 is replaced by aspartic acid, an amino acid with dissimilar properties. This amino acid position is conserved. In addition, this alteration is predicted to be tolerated by in silico analysis. Based on the available evidence, the clinical significance of this variant remains unclear.

Labcorp Genetics (formerly Invitae), Labcorp
Classification: Uncertain significance for Neurofibromatosis, type 1. Last evaluated: 2016-11-17. Review status: criteria provided, single submitter. Criteria: Invitae Variant Classification Sherloc (09022015). Collection method: clinical testing. Allele origin: germline.
Comment: Algorithms developed to predict the effect of missense changes on protein structure and function (SIFT, PolyPhen-2, Align-GVGD) all suggest that this variant is likely to be tolerated, but these predictions have not been confirmed by published functional studies. In summary, this variant is a novel missense change that is not predicted to affect protein function. There is no indication that it causes disease, but the available evidence is currently insufficient to prove that conclusively. Therefore, it has been classified as a Variant of Uncertain Significance. This variant is not present in population databases (ExAC no frequency) and has not been reported in the literature in individuals with a NF1-related disease. This sequence change replaces alanine with aspartic acid at codon 2497 of the NF1 protein (p.Ala2497Asp). The alanine residue is weakly conserved and there is a moderate physicochemical difference between alanine and aspartic acid.